The following is an entry in ClinVar:

NM_002907.4(RECQL):c.614A>G (p.Glu205Gly)

Gene: RECQL (RecQ like helicase; minus strand). Cytogenetic location: 12p12.1.
Variant type: single nucleotide variant.
Coding change: c.614A>G on transcript NM_002907.4 (MANE Select); coding-DNA position 614, A replaced by G.
Protein change: p.Glu205Gly; replaces glutamic acid 205 with glycine.
Molecular consequence: missense variant.
Genome position (GRCh38, 1-based): chr12:21,483,462, T>C on the plus strand (A>G on the coding strand, the complement: RECQL is on the minus strand). VCF-style: chr12-21483462-T-C. GRCh37 (hg19) VCF-style: chr12-21636396-T-C.
Other names: c.614A>G, p.Glu205Gly (NM_032941.3); short protein forms E205G.
Identifiers: ClinVar variation 4863124 (VCV004863124.1).
Genomic context (GRCh38, chr12:21,483,462, plus strand): 5'-CTACAGCAGTGAACTTCATCCACAGCAATTCGAGTAAATCTCCTTGCTTCATAGGCTTTC[T>C]CTAGTCTTGACATAAACATTTTGCTTTTTGCAATTTTCTCTGGAGTCACATAAATCAGCT-3'
Protein context (NP_002898.2, residues 195-215): AKSKMFMSRL[Glu205Gly]KAYEARRFTR

ClinVar aggregate classification (germline): Uncertain significance (1 of 4 stars; one submission).

Submission:

Ambry Genetics
Classification: Uncertain significance. Last evaluated: 2026-05-02. Review status: criteria provided, single submitter. Criteria: Ambry Variant Classification Scheme 2023. Collection method: clinical testing. Allele origin: germline.
Comment: The p.E205G variant (also known as c.614A>G), located in coding exon 5 of the RECQL gene, results from an A to G substitution at nucleotide position 614. The glutamic acid at codon 205 is replaced by glycine, an amino acid with similar properties. This amino acid position is conserved. In addition, the in silico prediction for this alteration is inconclusive. Based on the available evidence, the clinical significance of this variant remains unclear.